The following is an entry in ClinVar:

NC_012920.1(MT-ND2):m.5001dup

Gene: MT-ND2 (mitochondrially encoded NADH dehydrogenase 2; plus strand).
Variant type: Duplication.
Genome position: chrM-4997-C-CA.
Identifiers: ClinVar variation 692533 (VCV000692533.2), dbSNP rs1603219713, ClinGen allele CA915952202.

ClinVar aggregate classification (germline): Uncertain significance. Review status: reviewed by expert panel (3 of 4 stars). 2 submissions from 2 submitters: Uncertain significance (1). 1 of the submissions does not count toward it. Last evaluated 2023-10-09.

Conditions:
Leigh syndrome (NULS). Also called: Leigh's syndrome; Leigh Disease; Subacute necrotizing encephalopathy; Necrotizing encephalopathy infantile subacute of Leigh; LEIGH SYNDROME, NUCLEAR; Leigh's necrotizing encephalopathy. Identifiers: Orphanet 506, MedGen C2931891, MONDO:0009723, OMIM 256000.
Mitochondrial disease. Also called: Mitochondrial disorder; Mitochondrial disorders. Identifiers: Orphanet 68380, MedGen C0751651, MeSH D028361, MONDO:0044970.

Submissions (2):

ClinGen Mitochondrial Disease Nuclear and Mitochondrial  Variant Curation Expert Panel, ClinGen
Classification: Uncertain significance for Mitochondrial disease. Last evaluated: 2023-10-09. Review status: reviewed by expert panel. Criteria: clingen mito disease acmg specifications v1-1. Collection method: curation. Allele origin: germline. Inheritance: Mitochondrial inheritance.
Comment: The m.5001dupA variant in MT-ND2 has been reported in one individual with primary mitochondrial disease to date, in a child with developmental delay, seizures, and cardiomyopathy (PMIDs: 32652755, 23288206, 23463613). The variant was present at 99.5% in muscle and 15.9% in blood. The variant was not detected in the blood of the unaffected mother however additional details were not provided confirm de novo status. Decreased activities of complex I (46% controls) and complex I + III (47% controls), mitochondrial proliferation with increased citrate synthase activity, and elevated mitochondrial DNA content (153% of control) were reported, however additional clinical details such as tissue this was performed in and exclusion of other genetic etiologies was not provided (PMID: 32652755). This variant is absent in the GenBank dataset, Helix dataset, and gnomAD v3.1.2 (PM2_supporting). The duplication at base position m.5001 causes a frameshift at codon 178, creating a stop only 22 positions downstream. This causes a significant truncation (43%) of the ND2 protein (PVS1_strong). There are no cybrids, single fiber studies, or other key functional assays reported for this variant to date. There are no in silico predictors for this type of variant in mitochondrial DNA. In summary, this variant meets criteria to be classified as uncertain significance for primary mitochondrial disease inherited in a mitochondrial manner. This classification was approved by the NICHD/NINDS U24 ClinGen Mitochondrial Disease Variant Curation Expert Panel on October 9, 2023. Mitochondrial DNA-specific ACMG/AMP criteria applied (PMID: 32906214): PM2_supporting, PVS1_strong).

Wong Mito Lab, Molecular and Human Genetics, Baylor College of Medicine
Classification: Pathogenic for Leigh syndrome. Last evaluated: 2019-10-17. Review status: criteria provided, single submitter. Criteria: Modified ACMG Guidelines (Unpublished). Collection method: clinical testing. Allele origin: germline. Not counted in ClinVar's aggregate classification.
Comment: The NC_012920.1:m.5001dupA (YP_003024027.1:p.Ile178AsnfsX22) variant in MTND2 gene is interpretated to be a Pathogenic variant based on the modified ACMG guidelines (unpublished). This variant meets the following evidence codes: PS6, PM2, PM9, PM10, PP4